The following is an entry in ClinVar:

ClinVar aggregate classification (germline): Uncertain significance (1 of 4 stars; one submission).

Submission:

GeneDx
Classification: Uncertain significance. Last evaluated: 2025-05-13. Review status: criteria provided, single submitter. Criteria: GeneDx Variant Classification Process June 2021. Collection method: clinical testing. Allele origin: germline. Affected: yes.
Comment: Not observed at significant frequency in large population cohorts (gnomAD); In silico analysis supports that this missense variant has a deleterious effect on protein structure/function; Has not been previously published as pathogenic or benign to our knowledge

NM_170606.3(KMT2C):c.3822A>T (p.Lys1274Asn)

Gene: KMT2C (lysine methyltransferase 2C; minus strand). Cytogenetic location: 7q36.1.
Variant type: single nucleotide variant.
Coding change: c.3822A>T on transcript NM_170606.3 (MANE Select); coding-DNA position 3822, A replaced by T.
Protein change: p.Lys1274Asn; replaces lysine 1274 with asparagine.
Molecular consequence: missense variant.
Genome position (GRCh38, 1-based): chr7:152,207,319, T>A on the plus strand (A>T on the coding strand, the complement: KMT2C is on the minus strand). VCF-style: chr7-152207319-T-A. GRCh37 (hg19) VCF-style: chr7-151904404-T-A.
Other names: short protein forms K1274N.
Identifiers: ClinVar variation 4529847 (VCV004529847.1).